The following is an entry in ClinVar:

NM_020738.4(KIDINS220):c.1811G>A (p.Arg604Lys)

Gene: KIDINS220 (kinase D interacting substrate 220; minus strand). Cytogenetic location: 2p25.1.
Variant type: single nucleotide variant.
Coding change: c.1811G>A on transcript NM_020738.4 (MANE Select); coding-DNA position 1811, G replaced by A.
Protein change: p.Arg604Lys; replaces arginine 604 with lysine.
Molecular consequence: missense variant. On other transcripts: non-coding transcript variant (2).
Genome position (GRCh38, 1-based): chr2:8,786,334, C>T on the plus strand (G>A on the coding strand, the complement: KIDINS220 is on the minus strand). VCF-style: chr2-8786334-C-T. GRCh37 (hg19) VCF-style: chr2-8926464-C-T.
Other names: c.1814G>A, p.Arg605Lys (NM_001348729.2, NM_001348731.2, NM_001348734.2 and 3 more transcripts); c.1811G>A, p.Arg604Lys (NM_001348732.2, NM_001348735.2, NM_001348738.2 and 3 more transcripts); c.1685G>A, p.Arg562Lys (NM_001348736.2); short protein forms R562K, R604K, R605K.
Identifiers: ClinVar variation 3344658 (VCV003344658.1).

ClinVar aggregate classification (germline): Uncertain significance (0 of 4 stars; one submission).

Conditions:
KIDINS220-related disorder. Also called: KIDINS220-related condition.

Submission:

PreventionGenetics, part of Exact Sciences
Classification: Uncertain significance for KIDINS220-related condition. Last evaluated: 2024-05-11. Review status: no assertion criteria provided. Collection method: clinical testing. Allele origin: germline.
Comment: The KIDINS220 c.1811G>A variant is predicted to result in the amino acid substitution p.Arg604Lys. To our knowledge, this variant has not been reported in the literature or in a large population database, indicating this variant is rare. At this time, the clinical significance of this variant is uncertain due to the absence of conclusive functional and genetic evidence.